The following is an entry in ClinVar:

NM_014875.3(KIF14):c.4741del (p.Cys1581fs)

Gene: KIF14 (kinesin family member 14; minus strand). Cytogenetic location: 1q32.1.
Variant type: Deletion.
Coding change: c.4741del on transcript NM_014875.3 (MANE Select); coding-DNA position 4741, one base deleted (T; older notation c.4741delT).
Protein change: p.Cys1581fs; shifts the reading frame from cysteine 1581.
Molecular consequence: frameshift variant.
Genome position (GRCh38, 1-based): chr1:200,553,594, A deleted on the plus strand (T on the coding strand, the reverse complement: KIF14 is on the minus strand); the first of 4 consecutive A bases (chr1:200,553,594-200,553,597); deleting any one gives the same sequence. VCF-style (leftmost placement, unchanged base first): chr1-200553593-CA-C. GRCh37 (hg19) VCF-style: chr1-200522721-CA-C.
Other names: c.3268del, p.Cys1090fs (NM_001305792.1); short protein forms C1581fs, C1090fs.
Identifiers: ClinVar variation 2107972 (VCV002107972.4), dbSNP rs769785010, ClinGen allele CA1316925.

ClinVar aggregate classification (germline): Uncertain significance (1 of 4 stars; one submission).

Submission:

Labcorp Genetics (formerly Invitae), Labcorp
Classification: Uncertain significance. Last evaluated: 2022-03-11. Review status: criteria provided, single submitter. Criteria: Invitae Variant Classification Sherloc (09022015). Collection method: clinical testing. Allele origin: germline.
Comment: In summary, the available evidence is currently insufficient to determine the role of this variant in disease. Therefore, it has been classified as a Variant of Uncertain Significance. Experimental studies and prediction algorithms are not available or were not evaluated, and the functional significance of this variant is currently unknown. This variant has not been reported in the literature in individuals affected with KIF14-related conditions. This variant is present in population databases (rs769785010, gnomAD 0.002%). This sequence change creates a premature translational stop signal (p.Cys1581Valfs*11) in the KIF14 gene. While this is not anticipated to result in nonsense mediated decay, it is expected to disrupt the last 68 amino acid(s) of the KIF14 protein.